The following is an entry in ClinVar:

ClinVar aggregate classification (germline): Uncertain significance. Review status: criteria provided, multiple submitters, no conflicts (2 of 4 stars). 3 submissions from 3 submitters: Uncertain significance (3). Last evaluated 2026-06-18.

Conditions:
CREBBP-related disorder. Also called: CREBBP-related condition; CREBBP-related disorders.
Rubinstein-Taybi syndrome (RSTS). Identifiers: Orphanet 783, MedGen C0035934, MONDO:0019188.

Allele frequency attached by ClinVar (database versions not stated): ExAC 0.00001; gnomAD exomes 0.00001; TOPMed 0.00001.
gnomAD v4.1: 5 of 1,612,672 alleles (0.00031%); highest among the groups gnomAD compares: Admixed American, 0.0033%; no homozygotes.

Submissions (3):

PreventionGenetics, part of Exact Sciences
Classification: Uncertain significance for CREBBP-related condition. Last evaluated: 2026-06-18. Review status: criteria provided, single submitter. Criteria: ACMG Guidelines, 2015. Collection method: clinical testing. Allele origin: germline.
Comment: The CREBBP c.6789G>C variant is predicted to result in the amino acid substitution p.Gln2263His. To our knowledge, this variant has not been reported in the literature. This variant is reported in 0.0033% of alleles in individuals of South Asian descent in gnomAD. At this time, the clinical significance of this variant is uncertain due to the absence of conclusive functional and genetic evidence.

Labcorp Genetics (formerly Invitae), Labcorp
Classification: Uncertain significance for Rubinstein-Taybi syndrome. Last evaluated: 2023-12-03. Review status: criteria provided, single submitter. Criteria: Invitae Variant Classification Sherloc (09022015). Collection method: clinical testing. Allele origin: germline.
Comment: This sequence change replaces glutamine, which is neutral and polar, with histidine, which is basic and polar, at codon 2263 of the CREBBP protein (p.Gln2263His). This variant is present in population databases (rs773030588, gnomAD 0.003%). This variant has not been reported in the literature in individuals affected with CREBBP-related conditions. ClinVar contains an entry for this variant (Variation ID: 2440546). Advanced modeling of protein sequence and biophysical properties (such as structural, functional, and spatial information, amino acid conservation, physicochemical variation, residue mobility, and thermodynamic stability) performed at Invitae indicates that this missense variant is not expected to disrupt CREBBP protein function with a negative predictive value of 80%. In summary, the available evidence is currently insufficient to determine the role of this variant in disease. Therefore, it has been classified as a Variant of Uncertain Significance.

Revvity Omics, Revvity
Classification: Uncertain significance. Last evaluated: 2022-08-19. Review status: criteria provided, single submitter. Criteria: ACMG Guidelines, 2015. Collection method: clinical testing. Allele origin: germline.

NM_004380.3(CREBBP):c.6789G>C (p.Gln2263His)

Gene: CREBBP (CREB binding lysine acetyltransferase; minus strand). Cytogenetic location: 16p13.3.
Variant type: single nucleotide variant.
Coding change: c.6789G>C on transcript NM_004380.3 (MANE Select); coding-DNA position 6789, G replaced by C.
Protein change: p.Gln2263His; replaces glutamine 2263 with histidine.
Molecular consequence: missense variant.
Genome position (GRCh38, 1-based): chr16:3,728,258, C>G on the plus strand (G>C on the coding strand, the complement: CREBBP is on the minus strand). VCF-style: chr16-3728258-C-G. GRCh37 (hg19) VCF-style: chr16-3778259-C-G.
Other names: c.6675G>C, p.Gln2225His (NM_001079846.1); c.6789G>C (NM_004380.2); short protein forms Q2225H, Q2263H.
Identifiers: ClinVar variation 2440546 (VCV002440546.7), dbSNP rs773030588, ClinGen allele CA7868998.